The following is an entry in ClinVar:

NM_020987.5(ANK3):c.10164C>G (p.Asn3388Lys)

Gene: ANK3 (ankyrin 3; minus strand). Cytogenetic location: 10q21.2.
Variant type: single nucleotide variant.
Coding change: c.10164C>G on transcript NM_020987.5 (MANE Select); coding-DNA position 10164, C replaced by G.
Protein change: p.Asn3388Lys; replaces asparagine 3388 with lysine.
Molecular consequence: missense variant. On other transcripts: intron variant (4).
Genome position (GRCh38, 1-based): chr10:60,070,717, G>C on the plus strand (C>G on the coding strand, the complement: ANK3 is on the minus strand). VCF-style: chr10-60070717-G-C. GRCh37 (hg19) VCF-style: chr10-61830475-G-C.
Other names: c.4388-2708C>G (NM_001204403.2); c.4409-2708C>G (NM_001204404.2); c.4406-2708C>G (NM_001320874.2); c.1808-2708C>G (NM_001149.4); short protein forms N3388K.
Identifiers: ClinVar variation 388127 (VCV000388127.2), dbSNP rs148635129, ClinGen allele CA5511277.

ClinVar aggregate classification (germline): Uncertain significance (1 of 4 stars; one submission).

gnomAD v4.1: 2 of 1,614,056 alleles (0.00012%); highest among the groups gnomAD compares: East Asian, 0.0045%; no homozygotes.

Submission:

GeneDx
Classification: Uncertain significance. Last evaluated: 2016-08-04. Review status: criteria provided, single submitter. Criteria: GeneDx Variant Classification (06012015). Collection method: clinical testing. Allele origin: germline. Affected: yes.
Comment: The N3388K variant in the ANK3 gene has not been reported previously as a pathogenic variant, nor as a benign variant, to our knowledge. The N3388K variant was not observed in approximately 6,500 individuals of European and African American ancestry in the NHLBI Exome Sequencing Project, indicating it is not a common benign variant in these populations. The N3388K variant is a semi-conservative amino acid substitution, which may impact secondary protein structure as these residues differ in some properties. This substitution occurs at a position that is conserved across species. In silico analysis is inconsistent in its predictions as to whether or not the variant is damaging to the protein structure/function. We interpret N3388K as a variant of uncertain significance.